The following is an entry in ClinVar:

NM_005732.4(RAD50):c.1287A>G (p.Ile429Met)

Gene: RAD50 (RAD50 double strand break repair protein; plus strand). Cytogenetic location: 5q31.1.
Variant type: single nucleotide variant.
Coding change: c.1287A>G on transcript NM_005732.4 (MANE Select); coding-DNA position 1287, A replaced by G.
Protein change: p.Ile429Met; replaces isoleucine 429 with methionine.
Molecular consequence: missense variant.
Genome position (GRCh38, 1-based): chr5:132,589,672, A>G. VCF-style: chr5-132589672-A-G. GRCh37 (hg19) VCF-style: chr5-131925364-A-G.
Other names: short protein forms I429M.
Identifiers: ClinVar variation 484649 (VCV000484649.17), dbSNP rs1554098314, ClinGen allele CA360943670.

ClinVar aggregate classification (germline): Conflicting classifications of pathogenicity. Review status: criteria provided, conflicting classifications (1 of 4 stars). 5 submissions from 5 submitters: Uncertain significance (4); Likely benign (1). Last evaluated 2025-08-26.

Conditions:
Hereditary cancer-predisposing syndrome. Also called: Neoplastic Syndromes, Hereditary; Tumor predisposition; Hereditary Cancer Syndrome; Hereditary neoplastic syndrome. Identifiers: Orphanet 140162, MedGen C0027672, MeSH D009386, MONDO:0015356.
Nijmegen breakage syndrome-like disorder (NBSLD). Also called: MICROCEPHALY AND SPONTANEOUS CHROMOSOME INSTABILITY WITHOUT IMMUNODEFICIENCY; NBS-LIKE DISORDER; RAD50 DEFICIENCY. Identifiers: Orphanet 240760, MedGen C2751318, MONDO:0013118, OMIM 613078.

Allele frequency attached by ClinVar (database versions not stated): gnomAD exomes below 0.00001.
gnomAD v4.1: 3 of 1,607,820 alleles (0.00019%); highest among the groups gnomAD compares: South Asian, 0.0022%; no homozygotes.

Submissions (5):

Quest Diagnostics Nichols Institute San Juan Capistrano
Classification: Uncertain significance. Last evaluated: 2025-08-26. Review status: criteria provided, single submitter. Criteria: Quest Diagnostics criteria. Collection method: clinical testing. Allele origin: unknown.
Comment: The RAD50 c.1287A>G (p.Ile429Met) variant has not been reported in individuals with RAD50-related conditions in the published literature. This variant has not been reported in large, multi-ethnic general populations (Genome Aggregation Database). Analysis of this variant using bioinformatics tools for the prediction of the effect of amino acid changes on protein structure and function yielded predictions that this variant is benign. Based on the available information, we are unable to determine the clinical significance of this variant.

Labcorp Genetics (formerly Invitae), Labcorp
Classification: Uncertain significance for Hereditary cancer-predisposing syndrome. Last evaluated: 2024-08-27. Review status: criteria provided, single submitter. Criteria: Invitae Variant Classification Sherloc (09022015). Collection method: clinical testing. Allele origin: germline.
Comment: This sequence change replaces isoleucine, which is neutral and non-polar, with methionine, which is neutral and non-polar, at codon 429 of the RAD50 protein (p.Ile429Met). This variant is not present in population databases (gnomAD no frequency). This variant has not been reported in the literature in individuals affected with RAD50-related conditions. ClinVar contains an entry for this variant (Variation ID: 484649). Invitae Evidence Modeling of protein sequence and biophysical properties (such as structural, functional, and spatial information, amino acid conservation, physicochemical variation, residue mobility, and thermodynamic stability) indicates that this missense variant is not expected to disrupt RAD50 protein function with a negative predictive value of 80%. In summary, the available evidence is currently insufficient to determine the role of this variant in disease. Therefore, it has been classified as a Variant of Uncertain Significance.

Ambry Genetics
Classification: Likely benign for Hereditary cancer-predisposing syndrome. Last evaluated: 2024-03-28. Review status: criteria provided, single submitter. Criteria: Ambry Variant Classification Scheme 2023. Collection method: clinical testing. Allele origin: germline.

Baylor Genetics
Classification: Uncertain significance for Nijmegen breakage syndrome-like disorder. Last evaluated: 2023-09-26. Review status: criteria provided, single submitter. Criteria: ACMG Guidelines, 2015. Collection method: clinical testing. Allele origin: unknown.

Women's Health and Genetics/Laboratory Corporation of America, LabCorp
Classification: Uncertain significance. Last evaluated: 2020-10-09. Review status: criteria provided, single submitter. Criteria: LabCorp Variant Classification Summary - May 2015. Collection method: clinical testing. Allele origin: germline.
Comment: Variant summary: RAD50 c.1287A>G (p.Ile429Met) results in a conservative amino acid change in the encoded protein sequence. Three of five in-silico tools predict a benign effect of the variant on protein function. The variant was absent in 248772 control chromosomes. The available data on variant occurrences in the general population are insufficient to allow any conclusion about variant significance. To our knowledge, no occurrence of c.1287A>G in individuals affected with Hereditary Breast And Ovarian Cancer Syndrome and no experimental evidence demonstrating its impact on protein function have been reported. Two clinical diagnostic laboratories have submitted clinical-significance assessments for this variant to ClinVar after 2014 without evidence for independent evaluation. All laboratories classified the variant as uncertain significance. Based on the evidence outlined above, the variant was classified as uncertain significance.